The following is an entry in ClinVar:

ClinVar aggregate classification (germline): Uncertain significance (1 of 4 stars; one submission).

gnomAD v4.1: 13 of 1,613,522 alleles (0.00081%); highest among the groups gnomAD compares: South Asian, 0.0044%; no homozygotes.

Submission:

CeGaT Center for Human Genetics Tuebingen
Classification: Uncertain significance. Last evaluated: 2026-02-01. Review status: criteria provided, single submitter. Criteria: CeGaT Center For Human Genetics Tuebingen Variant Classification Criteria Version 2. Collection method: clinical testing. Allele origin: germline. Affected: yes. Observed: 1 variant allele.
Comment: DLG4: PVS1:Moderate

NM_001321075.3(DLG4):c.2161C>T (p.Arg721Ter)

Gene: DLG4 (discs large MAGUK scaffold protein 4; minus strand). Cytogenetic location: 17p13.1.
Variant type: single nucleotide variant.
Coding change: c.2161C>T on transcript NM_001321075.3 (MANE Select); coding-DNA position 2161, C replaced by T.
Protein change: p.Arg721Ter; replaces arginine 721 with a stop codon.
Molecular consequence: nonsense. On other transcripts: non-coding transcript variant (1).
Genome position (GRCh38, 1-based): chr17:7,190,722, G>A on the plus strand (C>T on the coding strand, the complement: DLG4 is on the minus strand). VCF-style: chr17-7190722-G-A. GRCh37 (hg19) VCF-style: chr17-7094041-G-A.
Other names: c.2152C>T, p.Arg718Ter (NM_001128827.4); c.2281C>T, p.Arg761Ter (NM_001321074.1); c.1981C>T, p.Arg661Ter (NM_001321076.3, NM_001321077.3); c.2290C>T, p.Arg764Ter (NM_001365.5); c.2080C>T, p.Arg694Ter (NM_001369566.3); short protein forms R661*, R694*, R718*, R721*, R761*, R764*.
Identifiers: ClinVar variation 4821929 (VCV004821929.4).